The following is an entry in ClinVar:

NM_018206.6(VPS35):c.1586T>A (p.Leu529Gln)

Gene: VPS35 (VPS35 retromer complex component; minus strand). Cytogenetic location: 16q11.2.
Variant type: single nucleotide variant.
Coding change: c.1586T>A on transcript NM_018206.6 (MANE Select); coding-DNA position 1586, T replaced by A.
Protein change: p.Leu529Gln; replaces leucine 529 with glutamine.
Molecular consequence: missense variant.
Genome position (GRCh38, 1-based): chr16:46,668,991, A>T on the plus strand (T>A on the coding strand, the complement: VPS35 is on the minus strand). VCF-style: chr16-46668991-A-T. GRCh37 (hg19) VCF-style: chr16-46702903-A-T.
Other names: short protein forms L529Q.
Identifiers: ClinVar variation 2859840 (VCV002859840.3), dbSNP rs760887864, ClinGen allele CA8036754.

ClinVar aggregate classification (germline): Uncertain significance (1 of 4 stars; one submission).

Conditions:
Parkinson disease 17 (PARK17). Also called: VPS35-Related Parkinson Disease. Identifiers: Orphanet 411602, MedGen C3280133, MONDO:0013625, OMIM 614203.

Allele frequency attached by ClinVar (database versions not stated): gnomAD exomes below 0.00001; ExAC 0.00001.
gnomAD v4.1: 1 of 1,614,222 alleles (0.000062%); highest among the groups gnomAD compares: Non-Finnish European, 0.000085%; no homozygotes.

Submission:

Labcorp Genetics (formerly Invitae), Labcorp
Classification: Uncertain significance for Parkinson disease 17. Last evaluated: 2023-11-11. Review status: criteria provided, single submitter. Criteria: Invitae Variant Classification Sherloc (09022015). Collection method: clinical testing. Allele origin: germline.
Comment: This sequence change replaces leucine, which is neutral and non-polar, with glutamine, which is neutral and polar, at codon 529 of the VPS35 protein (p.Leu529Gln). This variant is present in population databases (rs760887864, gnomAD 0.0009%). This variant has not been reported in the literature in individuals affected with VPS35-related conditions. Advanced modeling of protein sequence and biophysical properties (such as structural, functional, and spatial information, amino acid conservation, physicochemical variation, residue mobility, and thermodynamic stability) performed at Invitae indicates that this missense variant is expected to disrupt VPS35 protein function with a positive predictive value of 80%. In summary, the available evidence is currently insufficient to determine the role of this variant in disease. Therefore, it has been classified as a Variant of Uncertain Significance.